The following is an entry in ClinVar:

NM_017934.7(PHIP):c.1256A>G (p.Glu419Gly)

Gene: PHIP (PHIP subunit of CUL4-Ring ligase complex; minus strand). Cytogenetic location: 6q14.1.
Variant type: single nucleotide variant.
Coding change: c.1256A>G on transcript NM_017934.7 (MANE Select); coding-DNA position 1256, A replaced by G.
Protein change: p.Glu419Gly; replaces glutamic acid 419 with glycine.
Molecular consequence: missense variant.
Genome position (GRCh38, 1-based): chr6:79,015,763, T>C on the plus strand (A>G on the coding strand, the complement: PHIP is on the minus strand). VCF-style: chr6-79015763-T-C. GRCh37 (hg19) VCF-style: chr6-79725480-T-C.
Other names: short protein forms E419G.
Identifiers: ClinVar variation 2581892 (VCV002581892.2), dbSNP rs2482135915, ClinGen allele CA364634783.

ClinVar aggregate classification (germline): Uncertain significance (1 of 4 stars; one submission).

Submission:

GeneDx
Classification: Uncertain significance. Last evaluated: 2025-11-06. Review status: criteria provided, single submitter. Criteria: GeneDx Variant Classification Process June 2021. Collection method: clinical testing. Allele origin: germline. Affected: yes.
Comment: Not observed at significant frequency in large population cohorts (gnomAD); In silico analysis supports that this missense variant has a deleterious effect on protein structure/function; Has not been previously published as pathogenic or benign to our knowledge